The following is an entry in ClinVar:

NM_024426.6(WT1):c.532G>T (p.Gly178Ter)

Genes: WT1 (WT1 transcription factor; minus strand), LOC107982234 (WT1/WT1-AS bi-directional promoter region; plus strand). Cytogenetic location: 11p13.
Variant type: single nucleotide variant.
Coding change: c.532G>T on transcript NM_024426.6 (MANE Select); coding-DNA position 532, G replaced by T.
Protein change: p.Gly178Ter; replaces glycine 178 with a stop codon.
Molecular consequence: nonsense. On other transcripts: non-coding transcript variant (2).
Genome position (GRCh38, 1-based): chr11:32,434,829, C>A on the plus strand (G>T on the coding strand, the complement: WT1 is on the minus strand). VCF-style: chr11-32434829-C-A. GRCh37 (hg19) VCF-style: chr11-32456375-C-A.
Other names: c.532G>T, p.Gly178Ter (NM_024424.5, NM_000378.6, NM_001407044.1 and 6 more transcripts); c.313G>T, p.Gly105Ter (NM_001429031.1, NM_001429032.1, NM_001429033.1 and 1 more transcripts); short protein forms G105*, G173*, G178*.
Identifiers: ClinVar variation 4280729 (VCV004280729.1).
Genomic context (GRCh38, chr11:32,434,829, plus strand): 5'-CCTGGCCGGATGACGCCTGGCTGGGCGGAGGAGGACCGAAGGGCCCGTAGCGACAGGCTC[C>A]GGCTGTGCCAGTGAACTGGCCGGAAAAGTGGACAGTGAAGGCGCTCAGGCACTGCTCCTC-3'

ClinVar aggregate classification (germline): Likely pathogenic (1 of 4 stars; one submission).

Conditions:
Frasier syndrome. Identifiers: Orphanet 347, MedGen C0950122, MeSH D052159, MONDO:0007635, OMIM 136680.
Drash syndrome (DDS). Also called: NEPHROPATHY, WILMS TUMOR, AND GENITAL ANOMALIES; WILMS TUMOR AND PSEUDO- OR TRUE HERMAPHRODITISM. Identifiers: Orphanet 220, MedGen C0950121, MONDO:0008682, OMIM 194080.

Submission:

MVZ Dr. Eberhard & Partner Dortmund
Classification: Likely pathogenic for Drash syndrome; Frasier syndrome. Last evaluated: 2025-07-22. Review status: criteria provided, single submitter. Criteria: ACMG Guidelines, 2015. Collection method: clinical testing. Allele origin: unknown. Inheritance: Autosomal dominant inheritance.
Comment: This variant c.532G>T, p.(Gly178Ter) in WT1 is not yet known in population databases or the literature. The variant leads to a premature stop codon via the exchange of the base guanine to thymine and thus to possible nonsense-mediated decay (NMD) of the mRNA.